The following is an entry in ClinVar:

ClinVar aggregate classification (germline): Conflicting classifications of pathogenicity. Review status: criteria provided, conflicting classifications (1 of 4 stars). 3 submissions from 3 submitters: Uncertain significance (2); Likely benign (1). Last evaluated 2024-03-04.

Conditions:
Familial thoracic aortic aneurysm and aortic dissection (TAAD). Also called: Thoracic aortic aneurysms and dissections. Identifiers: Orphanet 91387, MedGen C4707243, MONDO:0019625.
Rienhoff syndrome. Also called: LOEYS-DIETZ SYNDROME 5. Identifiers: MedGen C3810012, MONDO:0014262, OMIM 615582.
Primary dilated cardiomyopathy (DCM). Also called: Dilated Cardiomyopathy. Identifiers: Orphanet 217604, MedGen C0007193, MeSH D002311, MONDO:0005021, HP:0001644. Inheritance: Various modes of inheritance.

Allele frequency attached by ClinVar (database versions not stated): ExAC 0.00002; gnomAD exomes 0.00002.
gnomAD v4.1: 7 of 1,614,060 alleles (0.00043%); highest among the groups gnomAD compares: Admixed American, 0.012%; no homozygotes.

Submissions (3):

Labcorp Genetics (formerly Invitae), Labcorp
Classification: Uncertain significance for Rienhoff syndrome. Last evaluated: 2024-03-04. Review status: criteria provided, single submitter. Criteria: Invitae Variant Classification Sherloc (09022015). Collection method: clinical testing. Allele origin: germline.
Comment: This sequence change replaces glycine, which is neutral and non-polar, with arginine, which is basic and polar, at codon 295 of the TGFB3 protein (p.Gly295Arg). This variant is present in population databases (rs766164843, gnomAD 0.02%). This variant has not been reported in the literature in individuals affected with TGFB3-related conditions. ClinVar contains an entry for this variant (Variation ID: 691733). Advanced modeling of protein sequence and biophysical properties (such as structural, functional, and spatial information, amino acid conservation, physicochemical variation, residue mobility, and thermodynamic stability) performed at Invitae indicates that this missense variant is not expected to disrupt TGFB3 protein function with a negative predictive value of 80%. In summary, the available evidence is currently insufficient to determine the role of this variant in disease. Therefore, it has been classified as a Variant of Uncertain Significance.

Ambry Genetics
Classification: Uncertain significance for Familial thoracic aortic aneurysm and aortic dissection. Last evaluated: 2022-05-06. Review status: criteria provided, single submitter. Criteria: Ambry Variant Classification Scheme 2023. Collection method: clinical testing. Allele origin: germline.

Center for Advanced Laboratory Medicine, UC San Diego Health, University of California San Diego
Classification: Likely benign for Dilated cardiomyopathy. Last evaluated: 2018-07-13. Review status: criteria provided, single submitter. Criteria: ACMG Guidelines, 2015. Collection method: clinical testing. Allele origin: germline. Affected: yes. Observed: 1 variant allele.

NM_003239.5(TGFB3):c.883G>C (p.Gly295Arg)

Gene: TGFB3 (transforming growth factor beta 3; minus strand). Cytogenetic location: 14q24.3.
Variant type: single nucleotide variant.
Coding change: c.883G>C on transcript NM_003239.5 (MANE Select); coding-DNA position 883, G replaced by C.
Protein change: p.Gly295Arg; replaces glycine 295 with arginine.
Molecular consequence: missense variant.
Genome position (GRCh38, 1-based): chr14:75,963,359, C>G on the plus strand (G>C on the coding strand, the complement: TGFB3 is on the minus strand). VCF-style: chr14-75963359-C-G. GRCh37 (hg19) VCF-style: chr14-76429702-C-G.
Other names: c.883G>C, p.Gly295Arg (NM_001329938.2, NM_001329939.2); c.883G>C (NM_003239.2); short protein forms G295R.
Identifiers: ClinVar variation 691733 (VCV000691733.11), dbSNP rs766164843, ClinGen allele CA7280318.
Genomic context (GRCh38, chr14:75,963,359, plus strand): 5'-TGTGGGCCCAGTCTCACCGGAAGCAGTAATTGGTGTCCAAAGCCCGCTTCTTCCTCTGAC[C>G]CCCCTGGCCCGGGTTGTCGAGCCGGTGTGGGGGAATCATCATGAGGATTAGATGAGGGTT-3'
Protein context (NP_003230.1, residues 285-305): PHRLDNPGQG[Gly295Arg]QRKKRALDTN